The following is an entry in ClinVar:

ClinVar aggregate classification (germline): Uncertain significance. Review status: criteria provided, multiple submitters, no conflicts (2 of 4 stars). 2 submissions from 2 submitters: Uncertain significance (2). Last evaluated 2025-02-12.

Allele frequency attached by ClinVar (database versions not stated): gnomAD exomes 0.00001; gnomAD 0.00002; TOPMed 0.00002.
gnomAD v4.1: 13 of 1,574,204 alleles (0.00083%); highest among the groups gnomAD compares: African/African-American, 0.0054%; no homozygotes.

Submissions (2):

Ambry Genetics
Classification: Uncertain significance. Last evaluated: 2025-02-12. Review status: criteria provided, single submitter. Criteria: Ambry Variant Classification Scheme 2023. Collection method: clinical testing. Allele origin: germline.

Labcorp Genetics (formerly Invitae), Labcorp
Classification: Uncertain significance. Last evaluated: 2019-03-30. Review status: criteria provided, single submitter. Criteria: Invitae Variant Classification Sherloc (09022015). Collection method: clinical testing. Allele origin: germline.
Comment: In summary, the available evidence is currently insufficient to determine the role of this variant in disease. Therefore, it has been classified as a Variant of Uncertain Significance. Algorithms developed to predict the effect of missense changes on protein structure and function are either unavailable or do not agree on the potential impact of this missense change (SIFT: "Deleterious"; PolyPhen-2: "Possibly Damaging"; Align-GVGD: "Class C0"). This variant has not been reported in the literature in individuals with PLEKHM2-related conditions. This variant is not present in population databases (ExAC no frequency). This sequence change replaces glutamic acid with lysine at codon 81 of the PLEKHM2 protein (p.Glu81Lys). The glutamic acid residue is highly conserved and there is a small physicochemical difference between glutamic acid and lysine.

NM_015164.4(PLEKHM2):c.241G>A (p.Glu81Lys)

Gene: PLEKHM2 (pleckstrin homology and RUN domain containing M2; plus strand). Cytogenetic location: 1p36.21.
Variant type: single nucleotide variant.
Coding change: c.241G>A on transcript NM_015164.4 (MANE Select); coding-DNA position 241, G replaced by A.
Protein change: p.Glu81Lys; replaces glutamic acid 81 with lysine.
Molecular consequence: missense variant.
Genome position (GRCh38, 1-based): chr1:15,716,780, G>A. VCF-style: chr1-15716780-G-A. GRCh37 (hg19) VCF-style: chr1-16043275-G-A.
Other names: short protein forms E81K.
Identifiers: ClinVar variation 863404 (VCV000863404.10), dbSNP rs867591890, ClinGen allele CA18290442.
Genomic context (GRCh38, chr1:15,716,780, plus strand): 5'-TCCTCTGGCTACTGGGTGCTCGTGGTGCATTTTACTCGGAGAGAGGCCATCAAGCAGATC[G>A]AGGTGCTGCAGCACGTGGCCACCAACCTGGGGCGCAGTGAGTAGTCACAAGGAGACGCTG-3'
Protein context (NP_055979.2, residues 71-91): FTRREAIKQI[Glu81Lys]VLQHVATNLG